The following is an entry in ClinVar:

ClinVar aggregate classification (germline): Likely pathogenic (1 of 4 stars; one submission).

Conditions:
Tuberous sclerosis 2 (TSC2). Identifiers: Orphanet 805, MedGen C1860707, MONDO:0013199, OMIM 613254.

Submission:

Labcorp Genetics (formerly Invitae), Labcorp
Classification: Likely pathogenic for Tuberous sclerosis 2. Last evaluated: 2020-07-13. Review status: criteria provided, single submitter. Criteria: Invitae Variant Classification Sherloc (09022015). Collection method: clinical testing. Allele origin: germline.
Comment: In summary, the currently available evidence indicates that the variant is pathogenic, but additional data are needed to prove that conclusively. Therefore, this variant has been classified as Likely Pathogenic. Loss-of-function variants in TSC2 are known to be pathogenic (PMID: 10205261, 17304050). This variant has not been reported in the literature in individuals with TSC2-related conditions. This variant is not present in population databases (ExAC no frequency). This variant results in the deletion of part of exon 17 (c.1717-115_1759del) of the TSC2 gene. It is expected to disrupt RNA splicing and likely results in an absent or disrupted protein product.

Literature cited by the submitters: PubMed 10205261; PubMed 17304050.

NM_000548.5(TSC2):c.1717-115_1759del

Gene: TSC2 (TSC complex subunit 2; plus strand). Cytogenetic location: 16p13.3.
Variant type: Deletion.
Coding change: c.1717-115_1759del on transcript NM_000548.5 (MANE Select); 115 bases into the intron before coding-DNA position 1717 through coding-DNA position 1759, 158 bases deleted.
Molecular consequence: splice acceptor variant.
Genome position (GRCh38, 1-based): chr16:2,070,341-2,070,498, 158 bases deleted. GRCh37 (hg19): chr16:2,120,342-2,120,499.
Other names: c.1717-115_1759del (NM_001114382.3, NM_021055.3, NM_001370405.1 and 3 more transcripts); c.1606-115_1648del (NM_001318827.2); c.1117-115_1159del (NM_001318831.2); c.1570-115_1612del (NM_001318829.2); c.1750-115_1792del (NM_001318832.2).
Identifiers: ClinVar variation 1067635 (VCV001067635.7), dbSNP rs2151275013, ClinGen allele CA2499223288.